The following is an entry in ClinVar:

NM_007294.4(BRCA1):c.3738C>T (p.Thr1246=)

Genes: BRCA1 (BRCA1 DNA repair associated; minus strand), LOC126862571 (BRD4-independent group 4 enhancer GRCh37_chr17:41243136-41244335; plus strand). Cytogenetic location: 17q21.31.
Variant type: single nucleotide variant.
Coding change: c.3738C>T on transcript NM_007294.4 (MANE Select); coding-DNA position 3738, C replaced by T.
Protein change: p.Thr1246=; no amino-acid change (threonine 1246 retained).
Molecular consequence: synonymous variant. On other transcripts: intron variant (135).
Genome position (GRCh38, 1-based): chr17:43,091,793, G>A on the plus strand (C>T on the coding strand, the complement: BRCA1 is on the minus strand). VCF-style: chr17-43091793-G-A. GRCh37 (hg19) VCF-style: chr17-41243810-G-A.
Other names: c.3615C>T, p.Thr1205= (NM_001407675.1, NM_001407676.1, NM_001407677.1 and 19 more transcripts); c.3738C>T, p.Thr1246= (NM_001407684.1, NM_001407854.1, NM_001407858.1 and 30 more transcripts); c.3612C>T, p.Thr1204= (NM_001407685.1, NM_001407686.1, NM_001407687.1 and 11 more transcripts); c.3597C>T, p.Thr1199= (NM_001407692.1, NM_001407694.1, NM_001407695.1 and 29 more transcripts); c.3594C>T, p.Thr1198= (NM_001407740.1, NM_001407741.1, NM_001407742.1 and 20 more transcripts); c.3525C>T, p.Thr1175= (NM_001407853.1, NM_001407894.1, NM_001407895.1 and 9 more transcripts); c.3735C>T, p.Thr1245= (NM_001407860.1, NM_001407861.1, NM_001407587.1 and 22 more transcripts); c.3537C>T, p.Thr1179= (NM_001407862.1); and 41 more.
Identifiers: ClinVar variation 383578 (VCV000383578.24), dbSNP rs778655093, ClinGen allele CA059246.

ClinVar aggregate classification (germline): Likely benign. Review status: reviewed by expert panel (3 of 4 stars). 7 submissions from 7 submitters: Likely benign (1). 6 of the submissions do not count toward it. Last evaluated 2017-06-29.

Conditions:
Breast-ovarian cancer, familial, susceptibility to, 1 (BROVCA1). Also called: BRCA1 Hereditary Breast and Ovarian Cancer; OVARIAN CANCER, SUSCEPTIBILITY TO. Identifiers: Orphanet 145, MedGen C2676676, MONDO:0011450, OMIM 604370. Disease mechanism: loss of function.
Hereditary breast ovarian cancer syndrome. Also called: Hereditary breast and ovarian cancer syndrome; Breast and ovarian cancer; Hereditary breast and ovarian cancer syndrome (HBOC); Hereditary breast and/or ovarian cancer syndrome; BRCA1- and BRCA2-Associated Hereditary Breast and Ovarian Cancer; Hereditary breast and ovarian cancer. Identifiers: Orphanet 145, MedGen C0677776, MeSH D061325, MONDO:0003582. Disease mechanism: loss of function.
Hereditary cancer-predisposing syndrome. Also called: Neoplastic Syndromes, Hereditary; Hereditary neoplastic syndrome; Hereditary Cancer Syndrome; Tumor predisposition. Identifiers: Orphanet 140162, MedGen C0027672, MeSH D009386, MONDO:0015356.

Allele frequency attached by ClinVar (database versions not stated): ExAC 0.00001; gnomAD 0.00001; TOPMed 0.00001; gnomAD exomes 0.00002.
gnomAD v4.1: 27 of 1,613,982 alleles (0.0017%); highest among the groups gnomAD compares: Non-Finnish European, 0.002%; no homozygotes.

Submissions (7):

Evidence-based Network for the Interpretation of Germline Mutant Alleles (ENIGMA)
Classification: Likely benign for Breast-ovarian cancer, familial, susceptibility to, 1. Last evaluated: 2017-06-29. Review status: reviewed by expert panel. Criteria: ENIGMA BRCA1/2 Classification Criteria (2017-06-29). Collection method: curation. Allele origin: germline.
Comment: Synonymous substitution variant, with low bioinformatic likelihood to result in a splicing aberration (Splicing prior probability 0.02).

Labcorp Genetics (formerly Invitae), Labcorp
Classification: Likely benign for Hereditary breast ovarian cancer syndrome. Last evaluated: 2026-01-06. Review status: criteria provided, single submitter. Criteria: Invitae Variant Classification Sherloc (09022015). Collection method: clinical testing. Allele origin: germline. Not counted in ClinVar's aggregate classification.

All of Us Research Program, National Institutes of Health
Classification: Likely benign for Breast-ovarian cancer, familial, susceptibility to, 1. Last evaluated: 2023-12-01. Review status: criteria provided, single submitter. Criteria: ACMG Guidelines, 2015. Collection method: clinical testing. Allele origin: germline. Inheritance: Autosomal dominant inheritance. Observed: 7 variant alleles, 7 heterozygotes. Not counted in ClinVar's aggregate classification.
Comment: This study involves interpretation of variants in research participants for the purpose of population health screening. Participant phenotype was not available at the time of variant classification. Additional details can be found in publication PMID: 35346344, PMCID: PMC8962531

Women's Health and Genetics/Laboratory Corporation of America, LabCorp
Classification: Likely benign. Last evaluated: 2020-01-31. Review status: criteria provided, single submitter. Criteria: LabCorp Variant Classification Summary - May 2015. Collection method: clinical testing. Allele origin: germline. Not counted in ClinVar's aggregate classification.

GeneDx
Classification: Likely benign. Last evaluated: 2018-08-28. Review status: criteria provided, single submitter. Criteria: GeneDx Variant Classification Process June 2021. Collection method: clinical testing. Allele origin: germline. Affected: yes. Not counted in ClinVar's aggregate classification.

Color Diagnostics, LLC DBA Color Health
Classification: Likely benign for Hereditary cancer-predisposing syndrome. Last evaluated: 2017-01-03. Review status: criteria provided, single submitter. Criteria: ACMG Guidelines, 2015. Collection method: clinical testing. Allele origin: germline. Not counted in ClinVar's aggregate classification.

Ambry Genetics
Classification: Likely benign for Hereditary cancer-predisposing syndrome. Last evaluated: 2015-01-22. Review status: criteria provided, single submitter. Criteria: Ambry Variant Classification Scheme 2023. Collection method: clinical testing. Allele origin: germline. Not counted in ClinVar's aggregate classification.